The following is an entry in ClinVar:

ClinVar aggregate classification (germline): Uncertain significance (1 of 4 stars; one submission).

Conditions:
Inborn genetic diseases. Identifiers: MedGen C0950123, MeSH D030342.

Allele frequency attached by ClinVar (database versions not stated): gnomAD exomes below 0.00001; TOPMed below 0.00001.
gnomAD v4.1: 5 of 1,613,106 alleles (0.00031%); highest among the groups gnomAD compares: Non-Finnish European, 0.00042%; no homozygotes.

Submission:

Ambry Genetics
Classification: Uncertain significance for Inborn genetic diseases. Last evaluated: 2023-07-15. Review status: criteria provided, single submitter. Criteria: Ambry Variant Classification Scheme 2023. Collection method: clinical testing. Allele origin: germline.
Comment: The p.L666P variant (also known as c.1997T>C), located in coding exon 17 of the LRRK2 gene, results from a T to C substitution at nucleotide position 1997. The leucine at codon 666 is replaced by proline, an amino acid with similar properties. This amino acid position is conserved. In addition, this alteration is predicted to be deleterious by in silico analysis. Since supporting evidence is limited at this time, the clinical significance of this alteration remains unclear.

NM_198578.4(LRRK2):c.1997T>C (p.Leu666Pro)

Gene: LRRK2 (leucine rich repeat kinase 2; plus strand). Cytogenetic location: 12q12.
Variant type: single nucleotide variant.
Coding change: c.1997T>C on transcript NM_198578.4 (MANE Select); coding-DNA position 1997, T replaced by C.
Protein change: p.Leu666Pro; replaces leucine 666 with proline.
Molecular consequence: missense variant.
Genome position (GRCh38, 1-based): chr12:40,277,943, T>C. VCF-style: chr12-40277943-T-C. GRCh37 (hg19) VCF-style: chr12-40671745-T-C.
Other names: short protein forms L666P.
Identifiers: ClinVar variation 1784075 (VCV001784075.3), dbSNP rs1401586254, ClinGen allele CA384404484.